The following is an entry in ClinVar:

ClinVar aggregate classification (germline): Uncertain significance (1 of 4 stars; one submission).

Conditions:
Candidiasis, familial, 8 (CANDF8). Identifiers: Orphanet 1334, MedGen C3714992, MONDO:0014230, OMIM 615527.

Allele frequency attached by ClinVar (database versions not stated): ExAC 0.00012; ESP Exome Variant Server 0.00015; gnomAD exomes 0.00015; 1000 Genomes Project 30x 0.00016; 1000 Genomes Project 0.00020; gnomAD 0.00020; TOPMed 0.00020.
gnomAD v4.1: 484 of 1,586,872 alleles (0.031%); highest among the groups gnomAD compares: Non-Finnish European, 0.04%; no homozygotes.

Submission:

Labcorp Genetics (formerly Invitae), Labcorp
Classification: Uncertain significance for Candidiasis, familial, 8. Last evaluated: 2024-10-14. Review status: criteria provided, single submitter. Criteria: Invitae Variant Classification Sherloc (09022015). Collection method: clinical testing. Allele origin: germline.
Comment: This sequence change replaces arginine, which is basic and polar, with lysine, which is basic and polar, at codon 214 of the TRAF3IP2 protein (p.Arg214Lys). This variant is present in population databases (rs181942095, gnomAD 0.03%). This variant has not been reported in the literature in individuals affected with TRAF3IP2-related conditions. ClinVar contains an entry for this variant (Variation ID: 652596). Invitae Evidence Modeling of protein sequence and biophysical properties (such as structural, functional, and spatial information, amino acid conservation, physicochemical variation, residue mobility, and thermodynamic stability) indicates that this missense variant is not expected to disrupt TRAF3IP2 protein function with a negative predictive value of 80%. In summary, the available evidence is currently insufficient to determine the role of this variant in disease. Therefore, it has been classified as a Variant of Uncertain Significance.

NM_147686.4(TRAF3IP2):c.641G>A (p.Arg214Lys)

Genes: TRAF3IP2 (TRAF3 interacting protein 2; minus strand), TRAF3IP2-AS1 (TRAF3IP2 antisense RNA 1; plus strand), LOC114803478 (TRAF3IP2 eExon liver enhancer; plus strand). Cytogenetic location: 6q21.
Variant type: single nucleotide variant.
Coding change: c.641G>A on transcript NM_147686.4 (MANE Select); coding-DNA position 641, G replaced by A.
Protein change: p.Arg214Lys; replaces arginine 214 with lysine.
Molecular consequence: missense variant.
Genome position (GRCh38, 1-based): chr6:111,591,446, C>T on the plus strand (G>A on the coding strand, the complement: TRAF3IP2 is on the minus strand). VCF-style: chr6-111591446-C-T. GRCh37 (hg19) VCF-style: chr6-111912649-C-T.
Other names: c.641G>A, p.Arg214Lys (NM_001164281.3); c.668G>A, p.Arg223Lys (NM_147200.3); short protein forms R223K, R214K.
Identifiers: ClinVar variation 652596 (VCV000652596.7), dbSNP rs181942095, ClinGen allele CA3963285.